The following is an entry in ClinVar:

ClinVar aggregate classification (germline): Uncertain significance. Review status: criteria provided, multiple submitters, no conflicts (2 of 4 stars). 2 submissions from 2 submitters: Uncertain significance (2). Last evaluated 2023-06-30.

Conditions:
Inborn genetic diseases. Identifiers: MedGen C0950123, MeSH D030342.

Submissions (2):

Ambry Genetics
Classification: Uncertain significance for Inborn genetic diseases. Last evaluated: 2023-06-30. Review status: criteria provided, single submitter. Criteria: Ambry Variant Classification Scheme 2023. Collection method: clinical testing. Allele origin: germline.

Labcorp Genetics (formerly Invitae), Labcorp
Classification: Uncertain significance. Last evaluated: 2022-09-28. Review status: criteria provided, single submitter. Criteria: Invitae Variant Classification Sherloc (09022015). Collection method: clinical testing. Allele origin: germline.
Comment: Algorithms developed to predict the effect of missense changes on protein structure and function (SIFT, PolyPhen-2, Align-GVGD) all suggest that this variant is likely to be disruptive. This variant has not been reported in the literature in individuals affected with CDH2-related conditions. This variant is not present in population databases (gnomAD no frequency). This sequence change replaces glutamine, which is neutral and polar, with proline, which is neutral and non-polar, at codon 791 of the CDH2 protein (p.Gln791Pro). In summary, the available evidence is currently insufficient to determine the role of this variant in disease. Therefore, it has been classified as a Variant of Uncertain Significance.

NM_001792.5(CDH2):c.2372A>C (p.Gln791Pro)

Genes: CDH2 (cadherin 2; minus strand), CDH2-AS1 (CDH2 antisense RNA 1; plus strand). Cytogenetic location: 18q12.1.
Variant type: single nucleotide variant.
Coding change: c.2372A>C on transcript NM_001792.5 (MANE Select); coding-DNA position 2372, A replaced by C.
Protein change: p.Gln791Pro; replaces glutamine 791 with proline.
Molecular consequence: missense variant.
Genome position (GRCh38, 1-based): chr18:27,963,499, T>G on the plus strand (A>C on the coding strand, the complement: CDH2 is on the minus strand). VCF-style: chr18-27963499-T-G. GRCh37 (hg19) VCF-style: chr18-25543463-T-G.
Other names: c.2372A>C (NM_001792.3); c.2279A>C, p.Gln760Pro (NM_001308176.2); short protein forms Q791P, Q760P.
Identifiers: ClinVar variation 2007751 (VCV002007751.6), dbSNP rs2510777074, ClinGen allele CA402104353.
Genomic context (GRCh38, chr18:27,963,499, plus strand): 5'-TCATCCATTCGTCGGATTCCCACAGGCTTGATGGCATCAGGCTCCACAGTGTCAGGCTGC[T>G]GCAGCTGGCTCAAGTCATAGTCCTGCAAAAAGACAAAATCAAAAACCGATGGGAGATGGG-3'
Protein context (NP_001783.2, residues 781-801): EDQDYDLSQL[Gln791Pro]QPDTVEPDAI